The following is an entry in ClinVar:

ClinVar aggregate classification (germline): Uncertain significance (1 of 4 stars; one submission).

Submission:

Labcorp Genetics (formerly Invitae), Labcorp
Classification: Uncertain significance. Last evaluated: 2023-08-23. Review status: criteria provided, single submitter. Criteria: Invitae Variant Classification Sherloc (09022015). Collection method: clinical testing. Allele origin: germline.
Comment: In summary, the available evidence is currently insufficient to determine the role of this variant in disease. Therefore, it has been classified as a Variant of Uncertain Significance. Advanced modeling of protein sequence and biophysical properties (such as structural, functional, and spatial information, amino acid conservation, physicochemical variation, residue mobility, and thermodynamic stability) has been performed at Invitae for this missense variant, however the output from this modeling did not meet the statistical confidence thresholds required to predict the impact of this variant on MTOR protein function. This variant has not been reported in the literature in individuals affected with MTOR-related conditions. This variant is present in population databases (no rsID available, gnomAD 0.0009%). This sequence change replaces aspartic acid, which is acidic and polar, with asparagine, which is neutral and polar, at codon 2298 of the MTOR protein (p.Asp2298Asn).

NM_004958.4(MTOR):c.6892G>A (p.Asp2298Asn)

Gene: MTOR (mechanistic target of rapamycin kinase; minus strand). Cytogenetic location: 1p36.22.
Variant type: single nucleotide variant.
Coding change: c.6892G>A on transcript NM_004958.4 (MANE Select); coding-DNA position 6892, G replaced by A.
Protein change: p.Asp2298Asn; replaces aspartic acid 2298 with asparagine.
Molecular consequence: missense variant.
Genome position (GRCh38, 1-based): chr1:11,121,287, C>T on the plus strand (G>A on the coding strand, the complement: MTOR is on the minus strand). VCF-style: chr1-11121287-C-T. GRCh37 (hg19) VCF-style: chr1-11181344-C-T.
Other names: c.6892G>A, p.Asp2298Asn (NM_001386500.1); c.5644G>A, p.Asp1882Asn (NM_001386501.1); short protein forms D1882N, D2298N.
Identifiers: ClinVar variation 2753598 (VCV002753598.3), dbSNP rs1248767394, ClinGen allele CA338385023.
Genomic context (GRCh38, chr1:11,121,287, plus strand): 5'-GCAGGGCCCAGTGGCCTACCTCGGAGCTGGGGCTTTTCAGCCACAGCAGCTTGGCCAGGT[C>T]GTCCCCAGCTGTATTATTGACGGCATGCTCAAACACCTCCACCTTCTGCATCAGAGTCAA-3'
Protein context (NP_004949.1, residues 2288-2308): EHAVNNTAGD[Asp2298Asn]LAKLLWLKSP